The following is an entry in ClinVar:

ClinVar aggregate classification (germline): Likely benign (1 of 4 stars; one submission).

Allele frequency attached by ClinVar (database versions not stated): TOPMed below 0.00001; gnomAD 0.00001.
gnomAD v4.1: 1 of 1,614,074 alleles (0.000062%); highest among the groups gnomAD compares: African/African-American, 0.0013%; no homozygotes.

Submission:

CeGaT Center for Human Genetics Tuebingen
Classification: Likely benign. Last evaluated: 2024-06-01. Review status: criteria provided, single submitter. Criteria: CeGaT Center For Human Genetics Tuebingen Variant Classification Criteria Version 2. Collection method: clinical testing. Allele origin: germline. Affected: yes. Observed: 1 variant allele.
Comment: TMEM94: BP4, BP7

NM_014738.6(TMEM94):c.459A>G (p.Pro153=)

Gene: TMEM94 (transmembrane protein 94; plus strand). Cytogenetic location: 17q25.1.
Variant type: single nucleotide variant.
Coding change: c.459A>G on transcript NM_014738.6 (MANE Select); coding-DNA position 459, A replaced by G.
Protein change: p.Pro153=; no amino-acid change (proline 153 retained).
Molecular consequence: synonymous variant.
Genome position (GRCh38, 1-based): chr17:75,487,981, A>G. VCF-style: chr17-75487981-A-G. GRCh37 (hg19) VCF-style: chr17-73484062-A-G.
Other names: c.489A>G, p.Pro163= (NM_001321148.2, NM_001351203.2); c.459A>G, p.Pro153= (NM_001321149.2, NM_001351202.2).
Identifiers: ClinVar variation 3251058 (VCV003251058.18), dbSNP rs1392150139.
Genomic context (GRCh38, chr17:75,487,981, plus strand): 5'-ATTCCCCTCAGATGCCCTCAGGGATGGCAGGGAGATCCAGTGGCCCAGTGCCATGTATCC[A>G]GACCTCCACATGCCTTTTGCGCCATCCTGGTCCTTGCACTGGGCCTACAGAGACGGACAC-3'
Protein context (NP_055553.3, residues 143-163): REIQWPSAMY[Pro153=]DLHMPFAPSW